The following is an entry in ClinVar:

ClinVar aggregate classification (germline): Uncertain significance (1 of 4 stars; one submission).

Conditions:
Familial thoracic aortic aneurysm and aortic dissection (TAAD). Also called: Thoracic aortic aneurysms and dissections. Identifiers: Orphanet 91387, MedGen C4707243, MONDO:0019625.

gnomAD v4.1: 1 of 1,614,058 alleles (0.000062%); highest among the groups gnomAD compares: Non-Finnish European, 0.000085%; no homozygotes.

Submission:

Ambry Genetics
Classification: Uncertain significance for Familial thoracic aortic aneurysm and aortic dissection. Last evaluated: 2026-08-29. Review status: criteria provided, single submitter. Criteria: Ambry Variant Classification Scheme 2023. Collection method: clinical testing. Allele origin: germline.
Comment: The p.H656D variant (also known as c.1966C>G), located in coding exon 16 of the FBN1 gene, results from a C to G substitution at nucleotide position 1966. The histidine at codon 656 is replaced by aspartic acid, an amino acid with similar properties. This amino acid position is conserved. In addition, this alteration is predicted to be deleterious by in silico analysis. Based on the available evidence, the clinical significance of this variant remains unclear.

NM_000138.5(FBN1):c.1966C>G (p.His656Asp)

Gene: FBN1 (fibrillin 1; minus strand). Cytogenetic location: 15q21.1.
Variant type: single nucleotide variant.
Coding change: c.1966C>G on transcript NM_000138.5 (MANE Select); coding-DNA position 1966, C replaced by G.
Protein change: p.His656Asp; replaces histidine 656 with aspartic acid.
Molecular consequence: missense variant.
Genome position (GRCh38, 1-based): chr15:48,503,934, G>C on the plus strand (C>G on the coding strand, the complement: FBN1 is on the minus strand). VCF-style: chr15-48503934-G-C. GRCh37 (hg19) VCF-style: chr15-48796131-G-C.
Other names: c.1966C>G, p.His656Asp (NM_001406716.1); short protein forms H656D.
Identifiers: ClinVar variation 5021600 (VCV005021600.1).